The following is an entry in ClinVar:

NM_138413.4(HOGA1):c.134C>G (p.Pro45Arg)

Gene: HOGA1 (4-hydroxy-2-oxoglutarate aldolase 1; plus strand). Cytogenetic location: 10q24.2.
Variant type: single nucleotide variant.
Coding change: c.134C>G on transcript NM_138413.4 (MANE Select); coding-DNA position 134, C replaced by G.
Protein change: p.Pro45Arg; replaces proline 45 with arginine.
Molecular consequence: missense variant.
Genome position (GRCh38, 1-based): chr10:97,584,837, C>G. VCF-style: chr10-97584837-C-G. GRCh37 (hg19) VCF-style: chr10-99344594-C-G.
Other names: c.134C>G, p.Pro45Arg (NM_001134670.2); short protein forms P45R.
Identifiers: ClinVar variation 877105 (VCV000877105.8), dbSNP rs764396564, ClinGen allele CA377967322.

ClinVar aggregate classification (germline): Conflicting classifications of pathogenicity. Review status: criteria provided, conflicting classifications (1 of 4 stars). 3 submissions from 3 submitters: Likely pathogenic (2); Uncertain significance (1). Last evaluated 2024-01-29.

Conditions:
Primary hyperoxaluria type 3. Also called: PH III. Identifiers: Orphanet 416, Orphanet 93600, MedGen C3150878, MONDO:0013327, OMIM 613616. Disease mechanism: loss of function.

Allele frequency attached by ClinVar (database versions not stated): TOPMed 0.00001.
gnomAD v4.1: 9 of 1,613,988 alleles (0.00056%); highest among the groups gnomAD compares: Admixed American, 0.005%; no homozygotes.

Submissions (3):

Labcorp Genetics (formerly Invitae), Labcorp
Classification: Likely pathogenic. Last evaluated: 2024-01-29. Review status: criteria provided, single submitter. Criteria: Invitae Variant Classification Sherloc (09022015). Collection method: clinical testing. Allele origin: germline.
Comment: This sequence change replaces proline, which is neutral and non-polar, with arginine, which is basic and polar, at codon 45 of the HOGA1 protein (p.Pro45Arg). This variant is present in population databases (no rsID available, gnomAD 0.006%). This variant has not been reported in the literature in individuals affected with HOGA1-related conditions. ClinVar contains an entry for this variant (Variation ID: 877105). Advanced modeling of protein sequence and biophysical properties (such as structural, functional, and spatial information, amino acid conservation, physicochemical variation, residue mobility, and thermodynamic stability) performed at Invitae indicates that this missense variant is expected to disrupt HOGA1 protein function with a positive predictive value of 95%. This variant disrupts the p.Pro45 amino acid residue in HOGA1. Other variant(s) that disrupt this residue have been determined to be pathogenic (PMID: 26342005; Invitae). This suggests that this residue is clinically significant, and that variants that disrupt this residue are likely to be disease-causing. In summary, the currently available evidence indicates that the variant is pathogenic, but additional data are needed to prove that conclusively. Therefore, this variant has been classified as Likely Pathogenic.

Clinical Biochemistry Laboratory, Health Services Laboratory
Classification: Likely pathogenic for Primary hyperoxaluria type 3. Last evaluated: 2023-10-27. Review status: criteria provided, single submitter. Criteria: ACMG Guidelines, 2015. Collection method: curation. Allele origin: germline. Affected: yes.
Comment: ACMG:PM1 PM2 PM5 PP3

Illumina Laboratory Services, Illumina
Classification: Uncertain significance for Primary hyperoxaluria type 3. Last evaluated: 2017-04-27. Review status: criteria provided, single submitter. Criteria: ICSL Variant Classification Criteria 13 December 2019. Collection method: clinical testing. Allele origin: germline.

Literature cited by the submitters: PubMed 26342005 (cited by Labcorp Genetics (formerly Invitae), Labcorp).